The following is an entry in ClinVar:

NM_033380.3(COL4A5):c.3964C>G (p.Leu1322Val)

Gene: COL4A5 (collagen type IV alpha 5 chain; plus strand). Cytogenetic location: Xq22.3.
Variant type: single nucleotide variant.
Coding change: c.3964C>G on transcript NM_033380.3 (MANE Select); coding-DNA position 3964, C replaced by G.
Protein change: p.Leu1322Val; replaces leucine 1322 with valine.
Molecular consequence: missense variant.
Genome position (GRCh38, 1-based): chrX:108,680,700, C>G. VCF-style: chrX-108680700-C-G. GRCh37 (hg19) VCF-style: chrX-107923930-C-G.
Other names: c.3964C>G (NM_033380.1); c.3946C>G, p.Leu1316Val (NM_000495.5); short protein forms L1316V, L1322V.
Identifiers: ClinVar variation 1029878 (VCV001029878.4), dbSNP rs762726134, ClinGen allele CA10489256.

ClinVar aggregate classification (germline): Uncertain significance. Review status: criteria provided, multiple submitters, no conflicts (2 of 4 stars). 3 submissions from 3 submitters: Uncertain significance (2). 1 of the submissions does not count toward it. Last evaluated 2022-12-05.

Conditions:
COL4A5-related disorder. Also called: COL4A5-related condition.
X-linked Alport syndrome (ATS1). Also called: NEPHROPATHY AND DEAFNESS, X-LINKED; COL4A5-Related Nephropathy. Identifiers: Orphanet 63, Orphanet 88917, MedGen C4746986, MONDO:0010520, OMIM 301050.

Allele frequency attached by ClinVar (database versions not stated): gnomAD exomes below 0.00001; ExAC 0.00002; TOPMed 0.00002.
gnomAD v4.1: 2 of 1,210,359 alleles (0.00017%); highest among the groups gnomAD compares: Admixed American, 0.0044%; no homozygotes.

Submissions (3):

GeneDx
Classification: Uncertain significance. Last evaluated: 2022-12-05. Review status: criteria provided, single submitter. Criteria: GeneDx Variant Classification Process June 2021. Collection method: clinical testing. Allele origin: germline. Affected: yes.
Comment: In silico analysis supports that this missense variant does not alter protein structure/function; Occurs in the triple helical domain at the X position in the canonical Gly-X-Y repeat; although this variant may have an effect on normal protein folding and function, missense substitution at the X position is not a common mechanism of disease; Has not been previously published as pathogenic or benign to our knowledge

Baylor Genetics
Classification: Uncertain significance for X-linked Alport syndrome. Last evaluated: 2020-01-14. Review status: criteria provided, single submitter. Criteria: ACMG Guidelines, 2015. Collection method: clinical testing. Allele origin: unknown. Affected: yes.
Comment: This variant was determined to be of uncertain significance according to ACMG Guidelines, 2015 [PMID:25741868].

PreventionGenetics, part of Exact Sciences
Classification: Uncertain significance for COL4A5-related condition. Last evaluated: 2024-08-09. Review status: no assertion criteria provided. Collection method: clinical testing. Allele origin: germline. Not counted in ClinVar's aggregate classification.
Comment: The COL4A5 c.3946C>G variant is predicted to result in the amino acid substitution p.Leu1316Val. To our knowledge, this variant has not been reported in the literature. This variant is reported in 0.011% of alleles in individuals of Latino descent in gnomAD. At this time, the clinical significance of this variant is uncertain due to the absence of conclusive functional and genetic evidence.